The following is an entry in ClinVar:

ClinVar aggregate classification (germline): Likely benign. Review status: criteria provided, multiple submitters, no conflicts (2 of 4 stars). 2 submissions from 2 submitters: Likely benign (2). Last evaluated 2019-06-26.

Conditions:
Inborn genetic diseases. Identifiers: MedGen C0950123, MeSH D030342.
Childhood apraxia of speech (SPCH1). Also called: DEVELOPMENTAL VERBAL DYSPRAXIA; Speech language disorder; FOXP2-Related Speech and Language Disorder; SPEECH AND LANGUAGE DISORDER WITH OROFACIAL DYSPRAXIA. Identifiers: Orphanet 209908, MedGen C0750927, MONDO:0011184, OMIM 602081.

Allele frequency attached by ClinVar (database versions not stated): TOPMed 0.00003; gnomAD 0.00005; gnomAD exomes 0.00005; ExAC 0.00008; 1000 Genomes Project 0.00040; 1000 Genomes Project 30x 0.00047.
gnomAD v4.1: 148 of 1,613,346 alleles (0.0092%); highest among the groups gnomAD compares: African/African-American, 0.016%; no homozygotes.

Submissions (2):

Ambry Genetics
Classification: Likely benign for Inborn genetic diseases. Last evaluated: 2019-06-26. Review status: criteria provided, single submitter. Criteria: Ambry Variant Classification Scheme 2023. Collection method: clinical testing. Allele origin: germline.

Illumina Laboratory Services, Illumina
Classification: Likely benign for Childhood apraxia of speech. Last evaluated: 2018-01-13. Review status: criteria provided, single submitter. Criteria: ICSL Variant Classification Criteria 13 December 2019. Collection method: clinical testing. Allele origin: germline.
Comment: This variant was observed in the ICSL laboratory as part of a predisposition screen in an ostensibly healthy population. It had not been previously curated by ICSL or reported in the Human Gene Mutation Database (HGMD: prior to June 1st, 2018), and was therefore a candidate for classification through an automated scoring system. Utilizing variant allele frequency, disease prevalence and penetrance estimates, and inheritance mode, an automated score was calculated to assess if this variant is too frequent to cause the disease. Based on the score and internal cut-off values, a variant classified as likely benign is not then subjected to further curation. The score for this variant resulted in a classification of likely benign for this disease.

NM_014491.4(FOXP2):c.2103C>T (p.Asp701=)

Gene: FOXP2 (forkhead box P2; plus strand). Cytogenetic location: 7q31.1.
Variant type: single nucleotide variant.
Coding change: c.2103C>T on transcript NM_014491.4 (MANE Select); coding-DNA position 2103, C replaced by T.
Protein change: p.Asp701=; no amino-acid change (aspartic acid 701 retained).
Molecular consequence: synonymous variant. On other transcripts: non-coding transcript variant (2).
Genome position (GRCh38, 1-based): chr7:114,689,881, C>T. VCF-style: chr7-114689881-C-T. GRCh37 (hg19) VCF-style: chr7-114329936-C-T.
Other names: c.2100C>T, p.Asp700= (NM_001172766.3); c.2178C>T, p.Asp726= (NM_148898.4); c.2154C>T, p.Asp718= (NM_148900.4).
Identifiers: ClinVar variation 358612 (VCV000358612.7), dbSNP rs559347815, ClinGen allele CA4446305.
Genomic context (GRCh38, chr7:114,689,881, plus strand): 5'-GGATGAAGACTGCCCAATGTCCTTAGTGACAACAGCTAATCACAGTCCAGAATTAGAAGA[C>T]GACAGAGAGATTGAAGAAGAGCCTTTATCTGAAGATCTGGAATGAGAACTGACTTGTGAA-3'
Protein context (NP_055306.1, residues 691-711): TTANHSPELE[Asp701=]DREIEEEPLS